The following is an entry in ClinVar:

ClinVar aggregate classification (germline): Likely benign (1 of 4 stars; one submission).

Allele frequency attached by ClinVar (database versions not stated): gnomAD exomes 0.00004 and 0.00007; TOPMed 0.00006; gnomAD 0.00007 and 0.00009; ExAC 0.00010; 1000 Genomes Project 30x 0.00016; 1000 Genomes Project 0.00020.

Submission:

CeGaT Center for Human Genetics Tuebingen
Classification: Likely benign. Last evaluated: 2022-06-01. Review status: criteria provided, single submitter. Criteria: CeGaT Center For Human Genetics Tuebingen Variant Classification Criteria Version 2. Collection method: clinical testing. Allele origin: germline. Affected: yes. Observed: 1 variant allele.
Comment: POLR2A: BP4, BP7

NM_000937.5(POLR2A):c.3855G>A (p.Leu1285=)

Gene: POLR2A (RNA polymerase II subunit A; plus strand). Cytogenetic location: 17p13.1.
Variant type: single nucleotide variant.
Coding change: c.3855G>A on transcript NM_000937.5 (MANE Select); coding-DNA position 3855, G replaced by A.
Protein change: p.Leu1285=; no amino-acid change (leucine 1285 retained).
Molecular consequence: synonymous variant.
Genome position (GRCh38, 1-based): chr17:7,511,256, G>A. VCF-style: chr17-7511256-G-A. GRCh37 (hg19) VCF-style: chr17-7414575-G-A.
Identifiers: ClinVar variation 1694820 (VCV001694820.31), dbSNP rs202160361, ClinGen allele CA8350128.
Genomic context (GRCh38, chr17:7,511,256, plus strand): 5'-GACCTCACTCTCACTGCAGGAGGAAGAGGTGGTGGACAAGATGGATGATGATGTCTTCCT[G>A]CGCTGCATCGAGTCCAACATGCTGACAGATATGACCCTGCAGGGCATCGAGCAGATCAGC-3'
Protein context (NP_000928.1, residues 1275-1295): VVDKMDDDVF[Leu1285=]RCIESNMLTD